The following is an entry in ClinVar:

ClinVar aggregate classification (germline): Uncertain significance. Review status: criteria provided, multiple submitters, no conflicts (2 of 4 stars). 2 submissions from 2 submitters: Uncertain significance (2). Last evaluated 2025-02-27.

Conditions:
Hereditary cancer-predisposing syndrome. Also called: Neoplastic Syndromes, Hereditary; Tumor predisposition; Hereditary neoplastic syndrome; Hereditary Cancer Syndrome. Identifiers: Orphanet 140162, MedGen C0027672, MeSH D009386, MONDO:0015356.
POLE-related disorder. Also called: POLE-related disorders; POLE-related condition.

Submissions (2):

Ambry Genetics
Classification: Uncertain significance for Hereditary cancer-predisposing syndrome. Last evaluated: 2025-02-27. Review status: criteria provided, single submitter. Criteria: Ambry Variant Classification Scheme 2023. Collection method: clinical testing. Allele origin: germline.
Comment: The c.5895_5896delAGinsGGAAC variant (also known as p.E1966_A1967insQ), located in coding exon 43 of the POLE gene, results from an in-frame deletion of AG and insertion of GGAAC at nucleotide positions 5895 to 5896. This results in the substitution of glutamate and alanine residues for a glutamine residue at codons 1966 and 1967. This amino acid region is not well conserved in available vertebrate species. In addition, this alteration is predicted to be neutral by in silico analysis (Choi Y et al. PLoS ONE. 2012; 7(10):e46688). Based on the available evidence, the clinical significance of this variant remains unclear.

PreventionGenetics, part of Exact Sciences
Classification: Uncertain significance for POLE-related condition. Last evaluated: 2023-05-23. Review status: criteria provided, single submitter. Criteria: ACMG Guidelines, 2015. Collection method: clinical testing. Allele origin: germline.
Comment: The POLE c.5895_5896delinsGGAAC variant is predicted to result in an in-frame deletion and insertion. To our knowledge, this variant has not been reported in the literature or in a large population database, indicating this variant is rare. It is interpreted as uncertain significance in ClinVar. At this time, the clinical significance of this variant is uncertain due to the absence of conclusive functional and genetic evidence.

NM_006231.4(POLE):c.5895_5896delinsGGAAC (p.Glu1966_Ala1967insGln)

Gene: POLE (DNA polymerase epsilon, catalytic subunit; minus strand). Cytogenetic location: 12q24.33.
Variant type: Indel.
Coding change: c.5895_5896delinsGGAAC on transcript NM_006231.4 (MANE Select); coding-DNA positions 5895 to 5896, AG replaced by GGAAC.
Protein change: p.Glu1966_Ala1967insGln.
Molecular consequence: inframe insertion.
Genome position (GRCh38, 1-based): chr12:132,634,294-132,634,295, CT replaced by GTTCC on the plus strand (AG replaced by GGAAC on the coding strand, the reverse complement: POLE is on the minus strand). VCF-style: chr12-132634294-CT-GTTCC. GRCh37 (hg19) VCF-style: chr12-133210880-CT-GTTCC.
Other names: c.5895_5896delinsGGAAC (NM_006231.3).
Identifiers: ClinVar variation 826035 (VCV000826035.6), dbSNP rs1593712239, ClinGen allele CA915946799.
Genomic context (GRCh38, chr12:132,634,294, plus strand): 5'-AAAACTGCAAAATGTTCCAGTTGTTTTCCAGTAAATCCTCCACGTTGGATTCCTCCGCCT[CT>GTTCC]TCCTCCTCCTCCCCATCTCTTTCCTCCTCATCGTCCTCATTTTCCTGCTCATCCTCTGCT-3'